The following is an entry in ClinVar:

NM_020778.5(ALPK3):c.3260G>T (p.Gly1087Val)

Gene: ALPK3 (alpha kinase 3; plus strand). Cytogenetic location: 15q25.3.
Variant type: single nucleotide variant.
Coding change: c.3260G>T on transcript NM_020778.5 (MANE Select); coding-DNA position 3260, G replaced by T.
Protein change: p.Gly1087Val; replaces glycine 1087 with valine.
Molecular consequence: missense variant.
Genome position (GRCh38, 1-based): chr15:84,857,998, G>T. VCF-style: chr15-84857998-G-T. GRCh37 (hg19) VCF-style: chr15-85401229-G-T.
Other names: short protein forms G1087V.
Identifiers: ClinVar variation 2624482 (VCV002624482.3), dbSNP rs1193025908, ClinGen allele CA393359917.

ClinVar aggregate classification (germline): Uncertain significance. Review status: criteria provided, multiple submitters, no conflicts (2 of 4 stars). 2 submissions from 2 submitters: Uncertain significance (2). Last evaluated 2025-04-09.

Conditions:
Cardiovascular phenotype. Identifiers: MedGen CN230736.

Allele frequency attached by ClinVar (database versions not stated): gnomAD exomes 0.00001.
gnomAD v4.1: 8 of 1,598,056 alleles (0.0005%); highest among the groups gnomAD compares: South Asian, 0.0011%; no homozygotes.

Submissions (2):

Labcorp Genetics (formerly Invitae), Labcorp
Classification: Uncertain significance. Last evaluated: 2025-04-09. Review status: criteria provided, single submitter. Criteria: Invitae Variant Classification Sherloc (09022015). Collection method: clinical testing. Allele origin: germline.
Comment: This sequence change replaces glycine, which is neutral and non-polar, with valine, which is neutral and non-polar, at codon 1289 of the ALPK3 protein (p.Gly1289Val). The frequency data for this variant in the population databases is considered unreliable, as metrics indicate poor data quality at this position in the gnomAD database. This variant has not been reported in the literature in individuals affected with ALPK3-related conditions. ClinVar contains an entry for this variant (Variation ID: 2624482). Invitae Evidence Modeling of protein sequence and biophysical properties (such as structural, functional, and spatial information, amino acid conservation, physicochemical variation, residue mobility, and thermodynamic stability) indicates that this missense variant is expected to disrupt ALPK3 protein function with a positive predictive value of 80%. In summary, the available evidence is currently insufficient to determine the role of this variant in disease. Therefore, it has been classified as a Variant of Uncertain Significance.

Ambry Genetics
Classification: Uncertain significance for Cardiovascular phenotype. Last evaluated: 2023-08-03. Review status: criteria provided, single submitter. Criteria: Ambry Variant Classification Scheme 2023. Collection method: clinical testing. Allele origin: germline.
Comment: The p.G1289V variant (also known as c.3866G>T), located in coding exon 6 of the ALPK3 gene, results from a G to T substitution at nucleotide position 3866. The glycine at codon 1289 is replaced by valine, an amino acid with dissimilar properties. This amino acid position is conserved. In addition, this alteration is predicted to be tolerated by in silico analysis. Since supporting evidence is limited at this time, the clinical significance of this alteration remains unclear.